The following is an entry in ClinVar:

NM_020937.4(FANCM):c.526A>G (p.Thr176Ala)

Gene: FANCM (FA complementation group M; plus strand). Cytogenetic location: 14q21.2.
Variant type: single nucleotide variant.
Coding change: c.526A>G on transcript NM_020937.4 (MANE Select); coding-DNA position 526, A replaced by G.
Protein change: p.Thr176Ala; replaces threonine 176 with alanine.
Molecular consequence: missense variant.
Genome position (GRCh38, 1-based): chr14:45,137,086, A>G. VCF-style: chr14-45137086-A-G. GRCh37 (hg19) VCF-style: chr14-45606289-A-G.
Other names: c.526A>G, p.Thr176Ala (NM_001308133.2, NM_001308134.2); short protein forms T176A.
Identifiers: ClinVar variation 4619575 (VCV004619575.1).

ClinVar aggregate classification (germline): Uncertain significance (1 of 4 stars; one submission).

Conditions:
Inborn genetic diseases. Identifiers: MedGen C0950123, MeSH D030342.

Submission:

Ambry Genetics
Classification: Uncertain significance for Inborn genetic diseases. Last evaluated: 2025-11-10. Review status: criteria provided, single submitter. Criteria: Ambry Variant Classification Scheme 2023. Collection method: clinical testing. Allele origin: germline.
Comment: The p.T176A variant (also known as c.526A>G), located in coding exon 2 of the FANCM gene, results from an A to G substitution at nucleotide position 526. The threonine at codon 176 is replaced by alanine, an amino acid with similar properties. This amino acid position is conserved. In addition, this alteration is predicted to be tolerated by in silico analysis. Based on the available evidence, the clinical significance of this variant remains unclear.